The following is an entry in ClinVar:

ClinVar aggregate classification (germline): Uncertain significance. Review status: criteria provided, multiple submitters, no conflicts (2 of 4 stars). 2 submissions from 2 submitters: Uncertain significance (2). Last evaluated 2025-07-12.

Conditions:
Norman-Roberts syndrome (LIS2). Also called: Lissencephaly 2 (Norman-Roberts type). Identifiers: Orphanet 89844, MedGen C0796089, MONDO:0009760, OMIM 257320.
Familial temporal lobe epilepsy 7. Identifiers: Orphanet 101046, MedGen C4225327, MONDO:0014639, OMIM 616436.
Inborn genetic diseases. Identifiers: MedGen C0950123, MeSH D030342.

Allele frequency attached by ClinVar (database versions not stated): gnomAD 0.00001; gnomAD exomes 0.00001; TOPMed 0.00001.
gnomAD v4.1: 11 of 1,614,054 alleles (0.00068%); highest among the groups gnomAD compares: African/African-American, 0.0053%; no homozygotes.

Submissions (2):

Ambry Genetics
Classification: Uncertain significance for Inborn genetic diseases. Last evaluated: 2025-07-12. Review status: criteria provided, single submitter. Criteria: Ambry Variant Classification Scheme 2023. Collection method: clinical testing. Allele origin: germline.

Labcorp Genetics (formerly Invitae), Labcorp
Classification: Uncertain significance for Familial temporal lobe epilepsy 7; Norman-Roberts syndrome. Last evaluated: 2025-04-22. Review status: criteria provided, single submitter. Criteria: Invitae Variant Classification Sherloc (09022015). Collection method: clinical testing. Allele origin: germline.
Comment: This sequence change replaces arginine, which is basic and polar, with histidine, which is basic and polar, at codon 3038 of the RELN protein (p.Arg3038His). This variant is not present in population databases (gnomAD no frequency). This variant has not been reported in the literature in individuals affected with RELN-related conditions. ClinVar contains an entry for this variant (Variation ID: 1054526). Invitae Evidence Modeling of protein sequence and biophysical properties (such as structural, functional, and spatial information, amino acid conservation, physicochemical variation, residue mobility, and thermodynamic stability) indicates that this missense variant is not expected to disrupt RELN protein function with a negative predictive value of 80%. In summary, the available evidence is currently insufficient to determine the role of this variant in disease. Therefore, it has been classified as a Variant of Uncertain Significance.

NM_005045.4(RELN):c.9113G>A (p.Arg3038His)

Genes: SLC26A5-AS1 (SLC26A5 antisense RNA 1; plus strand), RELN (reelin; minus strand). Cytogenetic location: 7q22.1.
Variant type: single nucleotide variant.
Coding change: c.9113G>A on transcript NM_005045.4 (MANE Select); coding-DNA position 9113, G replaced by A.
Protein change: p.Arg3038His; replaces arginine 3038 with histidine.
Molecular consequence: missense variant.
Genome position (GRCh38, 1-based): chr7:103,496,606, C>T on the plus strand (G>A on the coding strand, the complement: RELN is on the minus strand). VCF-style: chr7-103496606-C-T. GRCh37 (hg19) VCF-style: chr7-103137053-C-T.
Other names: c.9113G>A (NM_005045.3); c.9113G>A, p.Arg3038His (NM_173054.3); short protein forms R3038H.
Identifiers: ClinVar variation 1054526 (VCV001054526.10), dbSNP rs1828848847, ClinGen allele CA368751240.
Genomic context (GRCh38, chr7:103,496,606, plus strand): 5'-AATTGGCTGGGATTGATTTCTGCTCCACCAATCAAAATGTTGTCCAGTGCCCACTGAGCA[C>T]GCTCCACCCCAGAGACCACAATTCCATTGCTGATCACAAAAGGCTGCCACCAGCGAAGTC-3'
Protein context (NP_005036.2, residues 3028-3048): SNGIVVSGVE[Arg3038His]AQWALDNILI